The following is an entry in ClinVar:

NM_003128.3(SPTBN1):c.543GTG[1] (p.Trp182del)

Gene: SPTBN1 (spectrin beta, non-erythrocytic 1; plus strand). Cytogenetic location: 2p16.2.
Variant type: Microsatellite.
Coding change: c.543GTG[1] on transcript NM_003128.3 (MANE Select); one copy of the 3-base unit GTG starting at c.543; the reference has two copies in a row; one copy, 3 bases deleted.
Protein change: p.Trp182del; deletes tryptophan 182.
Molecular consequence: inframe deletion.
Genome position (GRCh38, 1-based): chr2:54,616,278-54,616,280, GTG deleted; deleting any 3 consecutive bases within chr2:54,616,275-54,616,280 gives the same sequence; the position shown is the placement nearest the transcript's 3' end. VCF-style (leftmost placement, unchanged base first): chr2-54616274-TGTG-T. GRCh37 (hg19) VCF-style: chr2-54843411-TGTG-T.
Other names: c.504GTG[1], p.Trp169del (NM_178313.3); short protein forms W169del, W182del.
Identifiers: ClinVar variation 1318958 (VCV001318958.3), dbSNP rs2103829011, ClinGen allele CA645525251.

ClinVar aggregate classification (germline): Pathogenic (1 of 4 stars; one submission).

Submission:

GeneDx
Classification: Pathogenic. Last evaluated: 2023-10-13. Review status: criteria provided, single submitter. Criteria: GeneDx Variant Classification Process June 2021. Collection method: clinical testing. Allele origin: germline. Affected: yes.
Comment: Has not been previously published as pathogenic or benign to our knowledge; In-frame deletion of 1 amino acid in a non-repeat region; Not observed in large population cohorts (gnomAD); In silico analysis supports a deleterious effect on protein structure/function